The following is an entry in ClinVar:

ClinVar aggregate classification (germline): Benign/Likely benign. Review status: criteria provided, multiple submitters, no conflicts (2 of 4 stars). 4 submissions from 4 submitters: Benign (1); Likely benign (3). Last evaluated 2025-10-19.

Conditions:
Inborn genetic diseases. Identifiers: MedGen C0950123, MeSH D030342.
KAT6B-related disorder. Also called: KAT6B-related disorders; KAT6B-related condition.
Genitopatellar syndrome (GTPTS). Also called: ABSENT PATELLAE, SCROTAL HYPOPLASIA, RENAL ANOMALIES, FACIAL DYSMORPHISM, AND MENTAL RETARDATION; Genitopatellar syndrome (GPS). Identifiers: Orphanet 85201, MedGen C1853566, MONDO:0011640, OMIM 606170.

Allele frequency attached by ClinVar (database versions not stated): gnomAD exomes 0.00007; ExAC 0.00012; 1000 Genomes Project 30x 0.00016; 1000 Genomes Project 0.00020; gnomAD 0.00027 and 0.00028; TOPMed 0.00031; ESP Exome Variant Server 0.00046.
gnomAD v4.1: 84 of 1,614,138 alleles (0.0052%); highest among the groups gnomAD compares: African/African-American, 0.097%; 1 homozygote.

Submissions (4):

Labcorp Genetics (formerly Invitae), Labcorp
Classification: Likely benign for Genitopatellar syndrome. Last evaluated: 2025-10-19. Review status: criteria provided, single submitter. Criteria: Invitae Variant Classification Sherloc (09022015). Collection method: clinical testing. Allele origin: germline.

PreventionGenetics, part of Exact Sciences
Classification: Likely benign for KAT6B-related condition. Last evaluated: 2024-11-18. Review status: criteria provided, single submitter. Criteria: ACMG Guidelines, 2015. Collection method: clinical testing. Allele origin: germline.
Comment: This variant is classified as likely benign based on ACMG/AMP sequence variant interpretation guidelines (Richards et al. 2015 PMID: 25741868, with internal and published modifications).

Ambry Genetics
Classification: Likely benign for Inborn genetic diseases. Last evaluated: 2024-03-04. Review status: criteria provided, single submitter. Criteria: Ambry Variant Classification Scheme 2023. Collection method: clinical testing. Allele origin: germline.

GeneDx
Classification: Benign. Last evaluated: 2021-10-28. Review status: criteria provided, single submitter. Criteria: GeneDx Variant Classification Process June 2021. Collection method: clinical testing. Allele origin: germline. Affected: yes.

NM_012330.4(KAT6B):c.4390G>A (p.Val1464Met)

Gene: KAT6B (lysine acetyltransferase 6B; plus strand). Cytogenetic location: 10q22.2.
Variant type: single nucleotide variant.
Coding change: c.4390G>A on transcript NM_012330.4 (MANE Select); coding-DNA position 4390, G replaced by A.
Protein change: p.Val1464Met; replaces valine 1464 with methionine.
Molecular consequence: missense variant.
Genome position (GRCh38, 1-based): chr10:75,029,214, G>A. VCF-style: chr10-75029214-G-A. GRCh37 (hg19) VCF-style: chr10-76788972-G-A.
Other names: c.3841G>A, p.Val1281Met (NM_001256468.2, NM_001370138.1); c.3514G>A, p.Val1172Met (NM_001256469.2, NM_001370139.1, NM_001370140.1 and 2 more transcripts); c.3352G>A, p.Val1118Met (NM_001370132.1); c.2701G>A, p.Val901Met (NM_001370133.1); c.2305G>A, p.Val769Met (NM_001370134.1); c.2047G>A, p.Val683Met (NM_001370135.1); c.4390G>A, p.Val1464Met (NM_001370136.1, NM_001370137.1); c.4390G>A (NM_012330.2); and 1 more; short protein forms V1109M, V1118M, V1172M, V1281M, V1464M, V683M, V769M, V901M.
Identifiers: ClinVar variation 1302197 (VCV001302197.11), dbSNP rs143733161, ClinGen allele CA5565023.